The following is an entry in ClinVar:

ClinVar aggregate classification (germline): Likely benign. Review status: criteria provided, single submitter (1 of 4 stars). 2 submissions from 2 submitters: Likely benign (1). 1 of the submissions does not count toward it. Last evaluated 2024-12-17.

Conditions:
Postaxial polydactyly-anterior pituitary anomalies-facial dysmorphism syndrome. Also called: Culler-Jones syndrome. Identifiers: Orphanet 420584, MedGen C4014479, MONDO:0014369, OMIM 615849.
Holoprosencephaly 9 (HPE9). Also called: PITUITARY ANOMALIES WITH HOLOPROSENCEPHALY-LIKE FEATURES; HOLOPROSENCEPHALY WITH MICROPHTHALMIA AND FIRST BRANCHIAL ARCH ANOMALIES. Identifiers: Orphanet 2162, MedGen C1835819, MONDO:0012563, OMIM 610829.
GLI2-related disorder. Also called: GLI2-related condition; GLI2-related disorders.

Allele frequency attached by ClinVar (database versions not stated): ExAC 0.00001; gnomAD exomes 0.00001; gnomAD 0.00008; TOPMed 0.00008.
gnomAD v4.1: 37 of 1,599,932 alleles (0.0023%); highest among the groups gnomAD compares: African/African-American, 0.02%; no homozygotes.

Submissions (2):

Labcorp Genetics (formerly Invitae), Labcorp
Classification: Likely benign for Postaxial polydactyly-anterior pituitary anomalies-facial dysmorphism syndrome; Holoprosencephaly 9. Last evaluated: 2024-12-17. Review status: criteria provided, single submitter. Criteria: Invitae Variant Classification Sherloc (09022015). Collection method: clinical testing. Allele origin: germline.

PreventionGenetics, part of Exact Sciences
Classification: Likely benign for GLI2-related condition. Last evaluated: 2021-01-04. Review status: no assertion criteria provided. Collection method: clinical testing. Allele origin: germline. Not counted in ClinVar's aggregate classification.
Comment: This variant is classified as likely benign based on ACMG/AMP sequence variant interpretation guidelines (Richards et al. 2015 PMID: 25741868, with internal and published modifications).

NM_001374353.1(GLI2):c.4110T>G (p.Arg1370=)

Gene: GLI2 (GLI family zinc finger 2; plus strand). Cytogenetic location: 2q14.2.
Variant type: single nucleotide variant.
Coding change: c.4110T>G on transcript NM_001374353.1 (MANE Select); coding-DNA position 4110, T replaced by G.
Protein change: p.Arg1370=; no amino-acid change (arginine 1370 retained).
Molecular consequence: synonymous variant.
Genome position (GRCh38, 1-based): chr2:120,990,075, T>G. VCF-style: chr2-120990075-T-G. GRCh37 (hg19) VCF-style: chr2-121747651-T-G.
Other names: c.4161T>G (NM_005270.4); c.4161T>G, p.Arg1387= (NM_001371271.1, NM_005270.5); c.3735T>G, p.Arg1245= (NM_001374354.1).
Identifiers: ClinVar variation 2924580 (VCV002924580.5), dbSNP rs756887433, ClinGen allele CA1852557.